The following is an entry in ClinVar:

NM_000784.4(CYP27A1):c.1343G>T (p.Arg448Leu)

Gene: CYP27A1 (cytochrome P450 family 27 subfamily A member 1; plus strand). Cytogenetic location: 2q35.
Variant type: single nucleotide variant.
Coding change: c.1343G>T on transcript NM_000784.4 (MANE Select); coding-DNA position 1343, G replaced by T.
Protein change: p.Arg448Leu; replaces arginine 448 with leucine.
Molecular consequence: missense variant.
Genome position (GRCh38, 1-based): chr2:218,814,624, G>T. VCF-style: chr2-218814624-G-T. GRCh37 (hg19) VCF-style: chr2-219679347-G-T.
Other names: short protein forms R448L.
Identifiers: ClinVar variation 2173689 (VCV002173689.3), dbSNP rs370868184, ClinGen allele CA65835309.

ClinVar aggregate classification (germline): Uncertain significance. Review status: criteria provided, multiple submitters, no conflicts (2 of 4 stars). 2 submissions from 2 submitters: Uncertain significance (2). Last evaluated 2022-06-20.

Conditions:
Cholestanol storage disease (CTX). Also called: CEREBRAL CHOLESTERINOSIS; CTX: Cerebrotendinous xanthomatosis; Cerebrotendinous Xanthomatosis. Identifiers: Orphanet 909, MedGen C0238052, MONDO:0008948, OMIM 213700.

Submissions (2):

Labcorp Genetics (formerly Invitae), Labcorp
Classification: Uncertain significance for Cholestanol storage disease. Last evaluated: 2022-06-20. Review status: criteria provided, single submitter. Criteria: Invitae Variant Classification Sherloc (09022015). Collection method: clinical testing. Allele origin: germline.
Comment: This sequence change replaces arginine, which is basic and polar, with leucine, which is neutral and non-polar, at codon 448 of the CYP27A1 protein (p.Arg448Leu). This variant is present in population databases (no rsID available, gnomAD 0.006%). This variant has not been reported in the literature in individuals affected with CYP27A1-related conditions. Advanced modeling of protein sequence and biophysical properties (such as structural, functional, and spatial information, amino acid conservation, physicochemical variation, residue mobility, and thermodynamic stability) performed at Invitae indicates that this missense variant is expected to disrupt CYP27A1 protein function. In summary, the available evidence is currently insufficient to determine the role of this variant in disease. Therefore, it has been classified as a Variant of Uncertain Significance.

Juno Genomics, Hangzhou Juno Genomics, Inc
Classification: Uncertain significance for Cholestanol storage disease. Review status: criteria provided, single submitter. Criteria: ACMG Guidelines, 2015. Collection method: clinical testing. Allele origin: germline.
Comment: Absent from controls (or at extremely low frequency if recessive) in Genome Aggregation Database.;Multiple lines of computational evidence support a deleterious effect on the gene or gene product.;Novel missense change at an amino acid residue where a different missense change determined to be pathogenic has been seen before.